The following is an entry in ClinVar:

ClinVar aggregate classification (germline): Uncertain significance (1 of 4 stars; one submission).

Conditions:
Neuropathy, hereditary sensory and autonomic, type 2A (HSAN2A). Also called: HSAN IIA; WNK1-Related HSAN2 (HSAN2A); ACROOSTEOLYSIS, GIACCAI TYPE; ACROOSTEOLYSIS, NEUROGENIC; MORVAN DISEASE; NEUROPATHY, CONGENITAL SENSORY. Identifiers: Orphanet 970, MedGen C2752089, MONDO:0024309, OMIM 201300.
Generalized epilepsy with febrile seizures plus, type 7 (GEFSP7). Also called: GEFS+, TYPE 7. Identifiers: Orphanet 36387, MedGen C2751778, MONDO:0013470, OMIM 613863.

Submission:

Labcorp Genetics (formerly Invitae), Labcorp
Classification: Uncertain significance for Neuropathy, hereditary sensory and autonomic, type 2A; Generalized epilepsy with febrile seizures plus, type 7. Last evaluated: 2023-03-27. Review status: criteria provided, single submitter. Criteria: Invitae Variant Classification Sherloc (09022015). Collection method: clinical testing. Allele origin: germline.
Comment: This sequence change replaces serine, which is neutral and polar, with leucine, which is neutral and non-polar, at codon 1434 of the SCN9A protein (p.Ser1434Leu). The frequency data for this variant in the population databases is considered unreliable, as metrics indicate poor data quality at this position in the gnomAD database. This variant has not been reported in the literature in individuals affected with SCN9A-related conditions. Advanced modeling of protein sequence and biophysical properties (such as structural, functional, and spatial information, amino acid conservation, physicochemical variation, residue mobility, and thermodynamic stability) performed at Invitae indicates that this missense variant is not expected to disrupt SCN9A protein function. In summary, the available evidence is currently insufficient to determine the role of this variant in disease. Therefore, it has been classified as a Variant of Uncertain Significance.

NM_001365536.1(SCN9A):c.4334C>T (p.Ser1445Leu)

Genes: SCN1A-AS1 (SCN1A and SCN9A antisense RNA 1; plus strand), SCN9A (sodium voltage-gated channel alpha subunit 9; minus strand). Cytogenetic location: 2q24.3.
Variant type: single nucleotide variant.
Coding change: c.4334C>T on transcript NM_001365536.1 (MANE Select); coding-DNA position 4334, C replaced by T.
Protein change: p.Ser1445Leu; replaces serine 1445 with leucine.
Molecular consequence: missense variant.
Genome position (GRCh38, 1-based): chr2:166,226,631, G>A on the plus strand (C>T on the coding strand, the complement: SCN9A is on the minus strand). VCF-style: chr2-166226631-G-A. GRCh37 (hg19) VCF-style: chr2-167083141-G-A.
Other names: c.4301C>T, p.Ser1434Leu (NM_002977.4); short protein forms S1445L, S1434L.
Identifiers: ClinVar variation 2945846 (VCV002945846.3), dbSNP rs1198706094, ClinGen allele CA349061963.